The following is an entry in ClinVar:

NM_001355436.2(SPTB):c.1207G>T (p.Glu403Ter)

Gene: SPTB (spectrin beta, erythrocytic; minus strand). Cytogenetic location: 14q23.3.
Variant type: single nucleotide variant.
Coding change: c.1207G>T on transcript NM_001355436.2 (MANE Select); coding-DNA position 1207, G replaced by T.
Protein change: p.Glu403Ter; replaces glutamic acid 403 with a stop codon.
Molecular consequence: nonsense.
Genome position (GRCh38, 1-based): chr14:64,796,691, C>A on the plus strand (G>T on the coding strand, the complement: SPTB is on the minus strand). VCF-style: chr14-64796691-C-A. GRCh37 (hg19) VCF-style: chr14-65263409-C-A.
Other names: c.1207G>T, p.Glu403Ter (NM_001024858.4, NM_001355437.2); short protein forms E403*.
Identifiers: ClinVar variation 4717285 (VCV004717285.1).

ClinVar aggregate classification (germline): Pathogenic (1 of 4 stars; one submission).

Submission:

Labcorp Genetics (formerly Invitae), Labcorp
Classification: Pathogenic. Last evaluated: 2025-04-11. Review status: criteria provided, single submitter. Criteria: Invitae Variant Classification Sherloc (09022015). Collection method: clinical testing. Allele origin: germline.
Comment: This sequence change creates a premature translational stop signal (p.Glu403*) in the SPTB gene. It is expected to result in an absent or disrupted protein product. Loss-of-function variants in SPTB are known to be pathogenic (PMID: 1391962, 1498324, 8844207, 26830532, 27292444). This variant is not present in population databases (gnomAD no frequency). This variant has not been reported in the literature in individuals affected with SPTB-related conditions. For these reasons, this variant has been classified as Pathogenic.

Literature cited by the submitters: PubMed 1391962; PubMed 1498324; PubMed 8844207; PubMed 26830532; PubMed 27292444.